The following is an entry in ClinVar:

NM_004446.3(EPRS1):c.3014_3015delinsTA (p.Gly1005Val)

Gene: EPRS1 (glutamyl-prolyl-tRNA synthetase 1; minus strand). Cytogenetic location: 1q41.
Variant type: Indel.
Coding change: c.3014_3015delinsTA on transcript NM_004446.3 (MANE Select); coding-DNA positions 3014 to 3015, GG replaced by TA.
Protein change: p.Gly1005Val; replaces glycine 1005 with valine.
Molecular consequence: missense variant.
Genome position (GRCh38, 1-based): chr1:219,987,165-219,987,166, CC replaced by TA on the plus strand (GG replaced by TA on the coding strand, the reverse complement: EPRS1 is on the minus strand). VCF-style: chr1-219987165-CC-TA. GRCh37 (hg19) VCF-style: chr1-220160507-CC-TA.
Other names: short protein forms G1005V.
Identifiers: ClinVar variation 1680902 (VCV001680902.6), dbSNP rs2102567929, ClinGen allele CA2573132763.

ClinVar aggregate classification (germline): Uncertain significance (1 of 4 stars; one submission).

Submission:

Labcorp Genetics (formerly Invitae), Labcorp
Classification: Uncertain significance. Last evaluated: 2021-07-21. Review status: criteria provided, single submitter. Criteria: Invitae Variant Classification Sherloc (09022015). Collection method: clinical testing. Allele origin: germline.
Comment: This sequence change replaces glycine with valine at codon 1005 of the EPRS protein (p.Gly1005Val). The glycine residue is moderately conserved and there is a moderate physicochemical difference between glycine and valine. The frequency data for this variant in the population databases is not available, as this variant may be reported as separate entries in the ExAC database. This variant has not been reported in the literature in individuals with EPRS-related conditions. Algorithms developed to predict the effect of missense changes on protein structure and function are either unavailable or do not agree on the potential impact of this missense change (SIFT: "Not Available"; PolyPhen-2: "Benign"; Align-GVGD: "Not Available"). In summary, the available evidence is currently insufficient to determine the role of this variant in disease. Therefore, it has been classified as a Variant of Uncertain Significance.